The following is an entry in ClinVar:

ClinVar aggregate classification (germline): Pathogenic (1 of 4 stars; one submission).

Conditions:
Hearing loss, autosomal dominant 73. Also called: DEAFNESS, AUTOSOMAL DOMINANT 73. Identifiers: MedGen C4540024, MONDO:0033260, OMIM 617663.
Autosomal recessive nonsyndromic hearing loss 84A. Also called: DEAFNESS, AUTOSOMAL RECESSIVE 84A; DEAFNESS, AUTOSOMAL RECESSIVE 84A, WITH VESTIBULAR DYSFUNCTION. Identifiers: Orphanet 90636, MedGen C3150654, MONDO:0013249, OMIM 613391.

gnomAD v4.1: 3 of 1,547,736 alleles (0.00019%); highest among the groups gnomAD compares: East Asian, 0.0049%; no homozygotes.

Submission:

Juno Genomics, Hangzhou Juno Genomics, Inc
Classification: Pathogenic for Hearing loss, autosomal dominant 73; Autosomal recessive nonsyndromic hearing loss 84A. Review status: criteria provided, single submitter. Criteria: ACMG Guidelines, 2015. Collection method: clinical testing. Allele origin: germline. Affected: yes.
Comment: Absent from controls (or at extremely low frequency if recessive) in Genome Aggregation Database, Exome Sequencing Project, 1000 Genomes Project, or Exome Aggregation Consortium.;Null variant in a gene where loss of function (LOF) is a known mechanism of disease.;For recessive disorders, detected in trans with a pathogenic variant.;Co-segregation with disease in multiple affected family members in a gene definitively known to cause the disease.

NM_001145026.2(PTPRQ):c.6742C>T (p.Gln2248Ter)

Gene: PTPRQ (protein tyrosine phosphatase receptor type Q; plus strand). Cytogenetic location: 12q21.31.
Variant type: single nucleotide variant.
Coding change: c.6742C>T on transcript NM_001145026.2 (MANE Select); coding-DNA position 6742, C replaced by T.
Protein change: p.Gln2248Ter; replaces glutamine 2248 with a stop codon.
Molecular consequence: nonsense.
Genome position (GRCh38, 1-based): chr12:80,678,605, C>T. VCF-style: chr12-80678605-C-T. GRCh37 (hg19) VCF-style: chr12-81072384-C-T.
Other names: short protein forms Q2248*.
Identifiers: ClinVar variation 3764720 (VCV003764720.2).